The following is an entry in ClinVar:

ClinVar aggregate classification (germline): Uncertain significance (1 of 4 stars; one submission).

Allele frequency attached by ClinVar (database versions not stated): TOPMed below 0.00001.

Submission:

Ambry Genetics
Classification: Uncertain significance. Last evaluated: 2024-09-12. Review status: criteria provided, single submitter. Criteria: Ambry Variant Classification Scheme 2023. Collection method: clinical testing. Allele origin: germline.
Comment: The p.S150T variant (also known as c.448T>A), located in coding exon 2 of the GALNT12 gene, results from a T to A substitution at nucleotide position 448. The serine at codon 150 is replaced by threonine, an amino acid with similar properties. This amino acid position is conserved. In addition, the in silico prediction for this alteration is inconclusive. Since supporting evidence is limited at this time, the clinical significance of this alteration remains unclear.

NM_024642.5(GALNT12):c.448T>A (p.Ser150Thr)

Gene: GALNT12 (polypeptide N-acetylgalactosaminyltransferase 12; plus strand). Cytogenetic location: 9q22.33.
Variant type: single nucleotide variant.
Coding change: c.448T>A on transcript NM_024642.5 (MANE Select); coding-DNA position 448, T replaced by A.
Protein change: p.Ser150Thr; replaces serine 150 with threonine.
Molecular consequence: missense variant.
Genome position (GRCh38, 1-based): chr9:98,823,332, T>A. VCF-style: chr9-98823332-T-A. GRCh37 (hg19) VCF-style: chr9-101585614-T-A.
Other names: short protein forms S150T.
Identifiers: ClinVar variation 1740966 (VCV001740966.3), dbSNP rs1053923044, ClinGen allele CA196816518.
Genomic context (GRCh38, chr9:98,823,332, plus strand): 5'-TATGATTATGATAATTTGCCCAGGACATCTGTTATCATAGCATTTTATAATGAAGCCTGG[T>A]CAACTCTCCTTCGGACAGTTTACAGTGTCCTTGAGACATCCCCGGATATCCTGCTAGAAG-3'
Protein context (NP_078918.3, residues 140-160): VIIAFYNEAW[Ser150Thr]TLLRTVYSVL